The following is an entry in ClinVar:

ClinVar aggregate classification (germline): Uncertain significance (1 of 4 stars; one submission).

Conditions:
Familial thoracic aortic aneurysm and aortic dissection (TAAD). Also called: Thoracic aortic aneurysms and dissections. Identifiers: Orphanet 91387, MedGen C4707243, MONDO:0019625.

Allele frequency attached by ClinVar (database versions not stated): TOPMed below 0.00001.
gnomAD v4.1: 4 of 1,551,692 alleles (0.00026%); highest among the groups gnomAD compares: Non-Finnish European, 0.00026%; no homozygotes.

Submission:

Ambry Genetics
Classification: Uncertain significance for Familial thoracic aortic aneurysm and aortic dissection. Last evaluated: 2023-04-08. Review status: criteria provided, single submitter. Criteria: Ambry Variant Classification Scheme 2023. Collection method: clinical testing. Allele origin: germline.
Comment: The p.L496S variant (also known as c.1487T>C), located in coding exon 5 of the SKI gene, results from a T to C substitution at nucleotide position 1487. The leucine at codon 496 is replaced by serine, an amino acid with dissimilar properties. This amino acid position is conserved. In addition, the in silico prediction for this alteration is inconclusive. Since supporting evidence is limited at this time, the clinical significance of this alteration remains unclear.

NM_003036.4(SKI):c.1487T>C (p.Leu496Ser)

Gene: SKI (SKI proto-oncogene; plus strand). Cytogenetic location: 1p36.32.
Variant type: single nucleotide variant.
Coding change: c.1487T>C on transcript NM_003036.4 (MANE Select); coding-DNA position 1487, T replaced by C.
Protein change: p.Leu496Ser; replaces leucine 496 with serine.
Molecular consequence: missense variant.
Genome position (GRCh38, 1-based): chr1:2,304,305, T>C. VCF-style: chr1-2304305-T-C. GRCh37 (hg19) VCF-style: chr1-2235744-T-C.
Other names: short protein forms L496S.
Identifiers: ClinVar variation 2566890 (VCV002566890.2), dbSNP rs1640510121, ClinGen allele CA337957002.